The following is an entry in ClinVar:

NM_000036.3(AMPD1):c.1684C>T (p.Arg562Ter)

Gene: AMPD1 (adenosine monophosphate deaminase 1; minus strand). Cytogenetic location: 1p13.2.
Variant type: single nucleotide variant.
Coding change: c.1684C>T on transcript NM_000036.3 (MANE Select); coding-DNA position 1684, C replaced by T.
Protein change: p.Arg562Ter; replaces arginine 562 with a stop codon.
Molecular consequence: nonsense.
Genome position (GRCh38, 1-based): chr1:114,674,868, G>A on the plus strand (C>T on the coding strand, the complement: AMPD1 is on the minus strand). VCF-style: chr1-114674868-G-A. GRCh37 (hg19) VCF-style: chr1-115217489-G-A.
Other names: c.1672C>T, p.Arg558Ter (NM_001172626.2); short protein forms R558*, R562*.
Identifiers: ClinVar variation 2439020 (VCV002439020.6), dbSNP rs749286592, ClinGen allele CA1020042.

ClinVar aggregate classification (germline): Uncertain significance. Review status: criteria provided, multiple submitters, no conflicts (2 of 4 stars). 2 submissions from 2 submitters: Uncertain significance (2). Last evaluated 2026-01-19.

Conditions:
Muscle AMP deaminase deficiency (MMDD). Also called: Myoadenylate deaminase deficiency, myopathy due to; Adenosine monophosphate deaminase 1 deficiency; AMP deaminase 1 deficiency; Adenosine Monophosphate Deaminase 1; AMPD1 DEFICIENCY; ADENOSINE MONOPHOSPHATE DEAMINASE-1 DEFICIENCY, MYOPATHY DUE TO. Identifiers: Orphanet 45, MedGen C3714933, MONDO:0014220, OMIM 615511.

Allele frequency attached by ClinVar (database versions not stated): gnomAD exomes 0.00002; ExAC 0.00003; TOPMed 0.00003; gnomAD 0.00005.
gnomAD v4.1: 34 of 1,613,968 alleles (0.0021%); highest among the groups gnomAD compares: East Asian, 0.04%; no homozygotes.

Submissions (2):

Labcorp Genetics (formerly Invitae), Labcorp
Classification: Uncertain significance for Muscle AMP deaminase deficiency. Last evaluated: 2026-01-19. Review status: criteria provided, single submitter. Criteria: Invitae Variant Classification Sherloc (09022015). Collection method: clinical testing. Allele origin: germline.
Comment: This sequence change creates a premature translational stop signal (p.Arg595*) in the AMPD1 gene. It is expected to result in an absent or disrupted protein product. However, the current clinical and genetic evidence is not sufficient to establish whether loss-of-function variants in AMPD1 cause disease. This variant is present in population databases (rs749286592, gnomAD 0.05%). This premature translational stop signal has been observed in individual(s) with cerebral palsy (PMID: 34077496). ClinVar contains an entry for this variant (Variation ID: 2439020). In summary, the available evidence is currently insufficient to determine the role of this variant in disease. Therefore, it has been classified as a Variant of Uncertain Significance.

Revvity Omics, Revvity
Classification: Uncertain significance for Muscle AMP deaminase deficiency. Last evaluated: 2019-07-21. Review status: criteria provided, single submitter. Criteria: ACMG Guidelines, 2015. Collection method: clinical testing. Allele origin: germline.

Literature cited by the submitters: PubMed 34077496 (cited by Labcorp Genetics (formerly Invitae), Labcorp).